The following is an entry in ClinVar:

NM_024675.3:c.2098_2099insALU

Gene: PALB2 (partner and localizer of BRCA2; minus strand).
Variant type: Insertion.
Identifiers: ClinVar variation 1785821 (VCV001785821.2).

ClinVar aggregate classification (germline): Likely pathogenic (1 of 4 stars; one submission).

Conditions:
Hereditary cancer-predisposing syndrome. Also called: Neoplastic Syndromes, Hereditary; Tumor predisposition; Hereditary Cancer Syndrome; Hereditary neoplastic syndrome. Identifiers: Orphanet 140162, MedGen C0027672, MeSH D009386, MONDO:0015356.

Submission:

Ambry Genetics
Classification: Likely pathogenic for Hereditary cancer-predisposing syndrome. Last evaluated: 2022-06-07. Review status: criteria provided, single submitter. Criteria: Ambry Variant Classification Scheme 2023. Collection method: clinical testing. Allele origin: germline.
Comment: The c.2098_2099insAlu likely pathogenic variant results from the insertion of an Alu element between nucleotides 2098 and 2099 in coding exon 5 of the PALB2 gene. Mobile element insertions contribute to pathogenicity by either disrupting the coding sequence or inducing aberrant splicing (Belancio VP et al. Semin. Cancer Biol. 2010 Aug;20:200-10; Deininger P et al. Genome Biol. 2011 Dec;12:236; van der Klift HM. Hum Mutat. 2012 Jul;33(7):1051-5). Based on the majority of available evidence to date, this variant is likely to be pathogenic.